The following is an entry in ClinVar:

NM_018979.4(WNK1):c.3663+3A>G

Gene: WNK1 (WNK lysine deficient protein kinase 1; plus strand). Cytogenetic location: 12p13.33.
Variant type: single nucleotide variant.
Coding change: c.3663+3A>G on transcript NM_018979.4 (MANE Select); 3 bases into the intron after coding-DNA position 3663, A replaced by G.
Molecular consequence: intron variant.
Genome position (GRCh38, 1-based): chr12:883,571, A>G. VCF-style: chr12-883571-A-G. GRCh37 (hg19) VCF-style: chr12-992737-A-G.
Other names: c.4419+3A>G (NM_213655.5); c.4443+3A>G (NM_001184985.2); c.2922+3A>G (NM_014823.3).
Identifiers: ClinVar variation 1016513 (VCV001016513.7), dbSNP rs1400756751, ClinGen allele CA603037004.

ClinVar aggregate classification (germline): Uncertain significance. Review status: criteria provided, multiple submitters, no conflicts (2 of 4 stars). 2 submissions from 2 submitters: Uncertain significance (2). Last evaluated 2024-05-11.

Conditions:
Pseudohypoaldosteronism type 2C (PHA2C). Also called: Pseudohypoaldosteronism Type IIC. Identifiers: Orphanet 757, Orphanet 88940, MedGen C1840391, MONDO:0013778, OMIM 614492.
Neuropathy, hereditary sensory and autonomic, type 2A (HSAN2A). Also called: ACROOSTEOLYSIS, GIACCAI TYPE; ACROOSTEOLYSIS, NEUROGENIC; MORVAN DISEASE; NEUROPATHY, CONGENITAL SENSORY; NEUROPATHY, HEREDITARY SENSORY RADICULAR, AUTOSOMAL RECESSIVE; NEUROPATHY, HEREDITARY SENSORY, TYPE IIA. Identifiers: Orphanet 970, MedGen C2752089, MONDO:0024309, OMIM 201300.

Allele frequency attached by ClinVar (database versions not stated): gnomAD exomes below 0.00001; TOPMed 0.00001; gnomAD 0.00002.
gnomAD v4.1: 4 of 1,614,090 alleles (0.00025%); highest among the groups gnomAD compares: African/African-American, 0.0053%; no homozygotes.

Submissions (2):

Fulgent Genetics
Classification: Uncertain significance for Neuropathy, hereditary sensory and autonomic, type 2A; Pseudohypoaldosteronism type 2C. Last evaluated: 2024-05-11. Review status: criteria provided, single submitter. Criteria: ACMG Guidelines, 2015. Collection method: clinical testing. Allele origin: germline.

Labcorp Genetics (formerly Invitae), Labcorp
Classification: Uncertain significance for Neuropathy, hereditary sensory and autonomic, type 2A; Pseudohypoaldosteronism type 2C. Last evaluated: 2020-01-16. Review status: criteria provided, single submitter. Criteria: Invitae Variant Classification Sherloc (09022015). Collection method: clinical testing. Allele origin: germline.
Comment: This variant is not present in population databases (ExAC no frequency). In summary, the available evidence is currently insufficient to determine the role of this variant in disease. Therefore, it has been classified as a Variant of Uncertain Significance. Nucleotide substitutions within the consensus splice site are a relatively common cause of aberrant splicing (PMID: 17576681, 9536098). Algorithms developed to predict the effect of sequence changes on RNA splicing suggest that this variant may disrupt the consensus splice site, but this prediction has not been confirmed by published transcriptional studies. This variant has not been reported in the literature in individuals with WNK1-related conditions. This sequence change falls in intron 16 of the WNK1 gene. It does not directly change the encoded amino acid sequence of the WNK1 protein, but it affects a nucleotide within the consensus splice site of the intron.

Literature cited by the submitters: PubMed 17576681 (cited by Labcorp Genetics (formerly Invitae), Labcorp); PubMed 9536098 (cited by Labcorp Genetics (formerly Invitae), Labcorp).